The following is an entry in ClinVar:

ClinVar aggregate classification (germline): Uncertain significance (1 of 4 stars; one submission).

Submission:

GeneDx
Classification: Uncertain significance. Last evaluated: 2025-04-28. Review status: criteria provided, single submitter. Criteria: GeneDx Variant Classification Process June 2021. Collection method: clinical testing. Allele origin: germline. Affected: yes.
Comment: Not observed at significant frequency in large population cohorts (gnomAD); In silico analysis indicates that this missense variant does not alter protein structure/function; Has not been previously published as pathogenic or benign to our knowledge

NM_001303052.2(MYT1L):c.2609C>T (p.Pro870Leu)

Gene: MYT1L (myelin transcription factor 1 like; minus strand). Cytogenetic location: 2p25.3.
Variant type: single nucleotide variant.
Coding change: c.2609C>T on transcript NM_001303052.2 (MANE Select); coding-DNA position 2609, C replaced by T.
Protein change: p.Pro870Leu; replaces proline 870 with leucine.
Molecular consequence: missense variant.
Genome position (GRCh38, 1-based): chr2:1,887,521, G>A on the plus strand (C>T on the coding strand, the complement: MYT1L is on the minus strand). VCF-style: chr2-1887521-G-A. GRCh37 (hg19) VCF-style: chr2-1891293-G-A.
Other names: c.2609C>T, p.Pro870Leu (NM_001329844.2, NM_001329845.1, NM_001329851.3); c.2603C>T, p.Pro868Leu (NM_001329846.3, NM_001329847.2, NM_001329848.1 and 3 more transcripts); short protein forms P868L, P870L.
Identifiers: ClinVar variation 4527688 (VCV004527688.1).